The following is an entry in ClinVar:

ClinVar aggregate classification (germline): Conflicting classifications of pathogenicity. Review status: criteria provided, conflicting classifications (1 of 4 stars). 8 submissions from 8 submitters: Likely pathogenic (2); Uncertain significance (6). Last evaluated 2025-10-02.

Conditions:
Septo-optic dysplasia sequence (SOD). Also called: DE MORSIER SYNDROME; Septo-optic dysplasia. Identifiers: Orphanet 3157, MedGen C0338503, MONDO:0008428, OMIM 182230, HP:0100842.
Male infertility with spermatogenesis disorder. Identifiers: Orphanet 399775, MedGen C5681167, MONDO:0018391.
GROWTH HORMONE DEFICIENCY WITH PITUITARY ANOMALIES. Identifiers: MedGen C2750027, OMIM 182230.

Allele frequency attached by ClinVar (database versions not stated): TOPMed 0.00002; gnomAD exomes 0.00007 and 0.00008; gnomAD 0.00010 and 0.00011; ExAC 0.00013.
gnomAD v4.1: 120 of 1,613,968 alleles (0.0074%); highest among the groups gnomAD compares: East Asian, 0.018%; no homozygotes.

Submissions (8):

Labcorp Genetics (formerly Invitae), Labcorp
Classification: Uncertain significance for GROWTH HORMONE DEFICIENCY WITH PITUITARY ANOMALIES; Septo-optic dysplasia sequence. Last evaluated: 2025-10-02. Review status: criteria provided, single submitter. Criteria: Invitae Variant Classification Sherloc (09022015). Collection method: clinical testing. Allele origin: germline.
Comment: This sequence change replaces arginine, which is basic and polar, with glutamine, which is neutral and polar, at codon 109 of the HESX1 protein (p.Arg109Gln). This variant is present in population databases (rs768165720, gnomAD 0.02%). This missense change has been observed in individual(s) with clinical features of septo-optic dysplasia (PMID: 26781211, 28332357). ClinVar contains an entry for this variant (Variation ID: 497545). An algorithm developed to predict the effect of missense changes on protein structure and function (PolyPhen-2) suggests that this variant is likely to be disruptive. Algorithms developed to predict the effect of sequence changes on RNA splicing suggest that this variant may disrupt the consensus splice site. In summary, the available evidence is currently insufficient to determine the role of this variant in disease. Therefore, it has been classified as a Variant of Uncertain Significance.

Laboratory of Genetics, Children's Clinical University Hospital Latvia
Classification: Likely pathogenic. Last evaluated: 2025-02-16. Review status: criteria provided, single submitter. Criteria: ACMG Guidelines, 2015. Collection method: clinical testing. Allele origin: germline. Affected: yes.

Blueprint Genetics
Classification: Uncertain significance. Last evaluated: 2024-08-27. Review status: criteria provided, single submitter. Criteria: ACMG Guidelines, 2015. Collection method: clinical testing. Allele origin: germline.

Laan Lab, Human Genetics Research Group, University of Tartu
Classification: Likely pathogenic for Male infertility with spermatogenesis disorder. Last evaluated: 2023-09-01. Review status: criteria provided, single submitter. Criteria: ACMG Guidelines, 2015. Collection method: research. Allele origin: germline. Inheritance: Oligogenic inheritance. Affected: yes. Observed: 1 heterozygote.

GeneDx
Classification: Uncertain significance. Last evaluated: 2019-11-11. Review status: criteria provided, single submitter. Criteria: GeneDx Variant Classification Process June 2021. Collection method: clinical testing. Allele origin: germline. Affected: yes.
Comment: A published functional study suggests impaired protein function with reduced DNA binding ability and impaired ability to repress PROP-mediatd activation, however, the significance of these results are uncertain (Takagi et al., 2016); In silico analysis, which includes protein predictors and evolutionary conservation, supports a deleterious effect; This variant is associated with the following publications: (PMID: 14558921, 26781211, 28332357, 9100579)

Eurofins Ntd Llc (ga)
Classification: Uncertain significance. Last evaluated: 2016-11-09. Review status: criteria provided, single submitter. Criteria: EGL Classification Definitions 2015. Collection method: clinical testing. Allele origin: germline. Observed: 1 variant allele, 1 heterozygote.

Breakthrough Genomics
Classification: Uncertain significance. Review status: criteria provided, single submitter. Criteria: ACMG Guidelines, 2015. Collection method: not provided. Allele origin: germline. Inheritance: Autosomal recessive inheritance. Affected: yes.

Neuberg Centre For Genomic Medicine, NCGM
Classification: Uncertain significance for Septo-optic dysplasia sequence. Review status: criteria provided, single submitter. Criteria: ACMG Guidelines, 2015. Collection method: clinical testing. Allele origin: germline. Inheritance: Autosomal recessive inheritance. Affected: yes.
Comment: Functional studies revealed a damaging effect (Takagi M et al). The variant has been submitted to ClinVar as Uncertain Significance. The missense variant c.326G>A (p.R109Q) in HESX1 (NM_003865.3) is observed in 4/18394 (0.0217%) alleles from individuals of East Asian background in the gnomAD dataset (Exome Aggregation Consortium et al., 2016), but was not seen in the homozygous state. The p.R109Q missense variant is predicted to be damaging by both SIFT and PolyPhen2. The arginine residue at codon 109 of HESX1 is conserved in all mammalian species. The nucleotide c.326 in HESX1 is predicted conserved by GERP++ and PhyloP across 100 vertebrates. For these reasons, this variant has been classified as Uncertain Significance

Literature cited by the submitters: PubMed 26781211 (cited by Labcorp Genetics (formerly Invitae), Labcorp and Eurofins Ntd Llc (ga)); PubMed 28332357 (cited by Labcorp Genetics (formerly Invitae), Labcorp); DOI 10.1016/j.ajhg.2024.03.013 (cited by Laan Lab, Human Genetics Research Group, University of Tartu).

NM_003865.3(HESX1):c.326G>A (p.Arg109Gln)

Gene: HESX1 (HESX homeobox 1; minus strand). Cytogenetic location: 3p14.3.
Variant type: single nucleotide variant.
Coding change: c.326G>A on transcript NM_003865.3 (MANE Select); coding-DNA position 326, G replaced by A.
Protein change: p.Arg109Gln; replaces arginine 109 with glutamine.
Molecular consequence: missense variant.
Genome position (GRCh38, 1-based): chr3:57,198,784, C>T on the plus strand (G>A on the coding strand, the complement: HESX1 is on the minus strand). VCF-style: chr3-57198784-C-T. GRCh37 (hg19) VCF-style: chr3-57232812-C-T.
Other names: short protein forms R109Q.
Identifiers: ClinVar variation 497545 (VCV000497545.15), dbSNP rs768165720, ClinGen allele CA2463281.